The following is an entry in ClinVar:

ClinVar aggregate classification (germline): Benign/Likely benign. Review status: criteria provided, multiple submitters, no conflicts (2 of 4 stars). 14 submissions from 12 submitters: Benign (8); Likely benign (2). 4 of the submissions do not count toward it. Last evaluated 2026-01-26.

Conditions:
Heimler syndrome 1 (HMLR1). Also called: PEROXISOME BIOGENESIS DISORDER 1C. Identifiers: Orphanet 3220, MedGen C4551980, OMIM 234580, MONDO:0024544.
Zellweger spectrum disorders (ZS). Also called: Zellweger syndrome; Zellweger Spectrum Disorder (ZSD); Zellweger Spectrum Disorder; Zellweger Spectrum. Identifiers: Orphanet 912, MedGen C0043459, MONDO:0019609.
Peroxisome biogenesis disorder 1B (PBD1B). Also called: Refsum disease, infantile form; Infantile Refsum disease; Infantile form of phytanic acid storage disease; PEROXISOME BIOGENESIS DISORDER (NEONATAL ADRENOLEUKODYSTROPHY/INFANTILE REFSUM DISEASE); INFANTILE PHYTANIC ACID STORAGE DISEASE; PEROXISOME BIOGENESIS DISORDER (NALD/IRD). Identifiers: Orphanet 44, MedGen C0282527, MONDO:0011101, OMIM 601539.
Peroxisome biogenesis disorder. Identifiers: Orphanet 79189, MedGen C1832200, MONDO:0019234. Disease mechanism: loss of function.
Peroxisome biogenesis disorder 1A (Zellweger) (PBD1A). Also called: Zellweger leukodystrophy; Peroxisome biogenesis disorder 1a. Identifiers: MedGen C4721541, MONDO:0008953, OMIM 214100.

Submissions (14):

Labcorp Genetics (formerly Invitae), Labcorp
Classification: Benign for Zellweger spectrum disorders. Last evaluated: 2026-01-26. Review status: criteria provided, single submitter. Criteria: Invitae Variant Classification Sherloc (09022015). Collection method: clinical testing. Allele origin: germline.

Blueprint Genetics
Classification: Benign. Last evaluated: 2024-11-27. Review status: criteria provided, single submitter. Criteria: ACMG Guidelines, 2015. Collection method: clinical testing. Allele origin: germline.

Molecular Genetics, Royal Melbourne Hospital
Classification: Benign for Peroxisome biogenesis disorder. Last evaluated: 2023-06-15. Review status: criteria provided, single submitter. Criteria: ACMG Guidelines, 2015. Collection method: clinical testing. Allele origin: germline. Inheritance: Autosomal recessive inheritance. Affected: no.

Mayo Clinic Laboratories, Mayo Clinic
Classification: Benign. Last evaluated: 2022-03-24. Review status: criteria provided, single submitter. Criteria: ACMG Guidelines, 2015. Collection method: clinical testing. Allele origin: germline. Observed: 1,256 variant alleles.

Genome-Nilou Lab
Classification: Benign for Heimler syndrome 1. Last evaluated: 2021-09-05. Review status: criteria provided, single submitter. Criteria: ACMG Guidelines, 2015. Collection method: clinical testing. Allele origin: germline. Affected: no.

Genome-Nilou Lab
Classification: Benign for Peroxisome biogenesis disorder 1A (Zellweger). Last evaluated: 2021-09-05. Review status: criteria provided, single submitter. Criteria: ACMG Guidelines, 2015. Collection method: clinical testing. Allele origin: germline. Affected: no.

Genome-Nilou Lab
Classification: Benign for Peroxisome biogenesis disorder 1B. Last evaluated: 2021-09-05. Review status: criteria provided, single submitter. Criteria: ACMG Guidelines, 2015. Collection method: clinical testing. Allele origin: germline. Affected: no.

GeneDx
Classification: Benign. Last evaluated: 2019-08-10. Review status: criteria provided, single submitter. Criteria: GeneDx Variant Classification Process June 2021. Collection method: clinical testing. Allele origin: germline. Affected: yes.

Eurofins Ntd Llc (ga)
Classification: Likely benign. Last evaluated: 2016-11-23. Review status: criteria provided, single submitter. Criteria: EGL Classification Definitions 2015. Collection method: clinical testing. Allele origin: germline. Observed: 1 variant allele, 1 homozygote.

Laboratory for Molecular Medicine, Mass General Brigham Personalized Medicine
Classification: Likely benign. Last evaluated: 2016-03-28. Review status: criteria provided, single submitter. Criteria: LMM Criteria. Collection method: clinical testing. Allele origin: germline.
Comment: Variant identified in a genome or exome case(s) and assessed due to predicted null impact of the variant or pathogenic assertions in the literature or databases. Disclaimer: This variant has not undergone full assessment. The following are preliminary notes: ExAC: 34.4% (31/90) South Asian chromosomes

Genetic Services Laboratory, University of Chicago
Classification: Benign. Last evaluated: 2022-08-26. Review status: no assertion criteria provided. Collection method: clinical testing. Allele origin: germline. Affected: no. Not counted in ClinVar's aggregate classification.

Natera, Inc.
Classification: Benign for Zellweger syndrome. Last evaluated: 2017-05-15. Review status: no assertion criteria provided. Collection method: clinical testing. Allele origin: germline. Not counted in ClinVar's aggregate classification.

Clinical Genetics DNA and cytogenetics Diagnostics Lab, Erasmus MC, Erasmus Medical Center
Classification: Benign. Review status: no assertion criteria provided. Collection method: clinical testing. Allele origin: germline. Affected: yes. Study: VKGL Data-share Consensus. Not counted in ClinVar's aggregate classification.

Diagnostic Laboratory, Department of Genetics, University Medical Center Groningen
Classification: Benign. Review status: no assertion criteria provided. Collection method: clinical testing. Allele origin: germline. Affected: yes. Study: VKGL Data-share Consensus. Not counted in ClinVar's aggregate classification.

NM_000466.3(PEX1):c.2584-10del

Gene: PEX1 (peroxisomal biogenesis factor 1; minus strand). Cytogenetic location: 7q21.2.
Variant type: Deletion.
Coding change: c.2584-10del on transcript NM_000466.3 (MANE Select); 10 bases into the intron before coding-DNA position 2584, one base deleted (T; older notation c.2584-10delT).
Molecular consequence: intron variant.
Genome position (GRCh38, 1-based): chr7:92,499,848, A deleted on the plus strand (T on the coding strand, the reverse complement: PEX1 is on the minus strand); the first of 12 consecutive A bases (chr7:92,499,848-92,499,859); deleting any one gives the same sequence. VCF-style (leftmost placement, unchanged base first): chr7-92499847-CA-C. GRCh37 (hg19) VCF-style: chr7-92129161-CA-C.
Other names: p.?; c.2413-10del (NM_001282677.2); c.1960-10del (NM_001282678.2); c.2584-10del (NM_000466.2); c.1960-10delT (NM_001282678.2); c.2584-10delT (NM_000466.2).
Identifiers: ClinVar variation 360922 (VCV000360922.34), dbSNP rs5885806, ClinGen allele CA4341077.